The following is an entry in ClinVar:

NM_002353.3(TACSTD2):c.74C>G (p.Thr25Ser)

Gene: TACSTD2 (tumor associated calcium signal transducer 2; minus strand). Cytogenetic location: 1p32.1.
Variant type: single nucleotide variant.
Coding change: c.74C>G on transcript NM_002353.3 (MANE Select); coding-DNA position 74, C replaced by G.
Protein change: p.Thr25Ser; replaces threonine 25 with serine.
Molecular consequence: missense variant.
Genome position (GRCh38, 1-based): chr1:58,577,083, G>C on the plus strand (C>G on the coding strand, the complement: TACSTD2 is on the minus strand). VCF-style: chr1-58577083-G-C. GRCh37 (hg19) VCF-style: chr1-59042755-G-C.
Other names: short protein forms T25S.
Identifiers: ClinVar variation 3766396 (VCV003766396.1).
Genomic context (GRCh38, chr1:58,577,083, plus strand): 5'-CTGCACACGGTCATCTTGTTGGTGGGACACGTGCAGTTGTCCTGCGCGGCCGTGTGGCCG[G>C]TCACCGCCGCCAGCACCAGCAGCAGCAGCGGCAGCCGCAGCGGTGGCGGCGCGAGGCCGG-3'
Protein context (NP_002344.2, residues 15-35): PLLLLVLAAV[Thr25Ser]GHTAAQDNCT

ClinVar aggregate classification (germline): Uncertain significance (1 of 4 stars; one submission).

Submission:

GeneDx
Classification: Uncertain significance. Last evaluated: 2024-09-03. Review status: criteria provided, single submitter. Criteria: GeneDx Variant Classification Process June 2021. Collection method: clinical testing. Allele origin: germline. Affected: yes.
Comment: Not observed at significant frequency in large population cohorts (gnomAD); In silico analysis indicates that this missense variant does not alter protein structure/function; Has not been previously published as pathogenic or benign to our knowledge